The following is an entry in ClinVar:

ClinVar aggregate classification (germline): Conflicting classifications of pathogenicity. Review status: criteria provided, conflicting classifications (1 of 4 stars). 7 submissions from 7 submitters: Uncertain significance (3); Likely benign (3). 1 of the submissions does not count toward it. Last evaluated 2026-04-01.

Conditions:
Bethlem myopathy 2 (BTHLM2). Identifiers: Orphanet 536516, Orphanet 610, MedGen C4225313, MONDO:0034022, OMIM 616471.
Ullrich congenital muscular dystrophy 2 (UCMD2). Identifiers: Orphanet 75840, MedGen C4225314, MONDO:0014654, OMIM 616470.
COL12A1-related disorder. Also called: COL12A1-related condition.
Inborn genetic diseases. Identifiers: MedGen C0950123, MeSH D030342.

Allele frequency attached by ClinVar (database versions not stated): 1000 Genomes Project 30x 0.00016; 1000 Genomes Project 0.00020; gnomAD exomes 0.00025; ExAC 0.00031; ESP Exome Variant Server 0.00093; gnomAD 0.00118 and 0.00125; TOPMed 0.00125.
gnomAD v4.1: 321 of 1,548,162 alleles (0.021%); highest among the groups gnomAD compares: African/African-American, 0.36%; no homozygotes.

Submissions (7):

CeGaT Center for Human Genetics Tuebingen
Classification: Uncertain significance. Last evaluated: 2026-04-01. Review status: criteria provided, single submitter. Criteria: CeGaT Center For Human Genetics Tuebingen Variant Classification Criteria Version 2. Collection method: clinical testing. Allele origin: germline. Affected: yes. Observed: 1 variant allele.
Comment: COL12A1: PP3

Women's Health and Genetics/Laboratory Corporation of America, LabCorp
Classification: Likely benign. Last evaluated: 2026-03-30. Review status: criteria provided, single submitter. Criteria: LabCorp Variant Classification Summary - May 2015. Collection method: clinical testing. Allele origin: germline.
Comment: Variant summary: COL12A1 c.8405C>T (p.Pro2802Leu) results in a non-conservative amino acid change in the encoded protein sequence. Algorithms developed to predict the effect of missense changes on protein structure and function all suggest that this variant is likely to be disruptive. The variant allele was found at a frequency of 0.00021 in 1548162 control chromosomes, predominantly at a frequency of 0.0037 within the African or African-American subpopulation in the gnomAD database. The observed variant frequency within African or African-American control individuals in the gnomAD database exceeds the estimated maximal expected allele frequency for disease-causing variants in COL12A1. To our knowledge, no occurrence of c.8405C>T in individuals affected with COL12A1-related conditions and no experimental evidence demonstrating its impact on protein function have been reported. ClinVar contains an entry for this variant (Variation ID: 475900). Based on the evidence outlined above, the variant was classified as likely benign.

Labcorp Genetics (formerly Invitae), Labcorp
Classification: Likely benign for Bethlem myopathy 2; Ullrich congenital muscular dystrophy 2. Last evaluated: 2026-01-26. Review status: criteria provided, single submitter. Criteria: Invitae Variant Classification Sherloc (09022015). Collection method: clinical testing. Allele origin: germline.

GeneDx
Classification: Uncertain significance. Last evaluated: 2025-05-18. Review status: criteria provided, single submitter. Criteria: GeneDx Variant Classification Process June 2021. Collection method: clinical testing. Allele origin: germline. Affected: yes.
Comment: In silico analysis supports that this missense variant has a deleterious effect on protein structure/function; Has not been previously published as pathogenic or benign to our knowledge

Mayo Clinic Laboratories, Mayo Clinic
Classification: Likely benign. Last evaluated: 2025-04-23. Review status: criteria provided, single submitter. Criteria: ACMG Guidelines, 2015. Collection method: clinical testing. Allele origin: germline. Observed: 3 variant alleles.
Comment: BS1

Ambry Genetics
Classification: Uncertain significance for Inborn genetic diseases. Last evaluated: 2025-02-15. Review status: criteria provided, single submitter. Criteria: Ambry Variant Classification Scheme 2023. Collection method: clinical testing. Allele origin: germline.

PreventionGenetics, part of Exact Sciences
Classification: Likely benign for COL12A1-related condition. Last evaluated: 2022-08-06. Review status: no assertion criteria provided. Collection method: clinical testing. Allele origin: germline. Not counted in ClinVar's aggregate classification.
Comment: This variant is classified as likely benign based on ACMG/AMP sequence variant interpretation guidelines (Richards et al. 2015 PMID: 25741868, with internal and published modifications).

NM_004370.6(COL12A1):c.8405C>T (p.Pro2802Leu)

Gene: COL12A1 (collagen type XII alpha 1 chain; minus strand). Cytogenetic location: 6q13.
Variant type: single nucleotide variant.
Coding change: c.8405C>T on transcript NM_004370.6 (MANE Select); coding-DNA position 8405, C replaced by T.
Protein change: p.Pro2802Leu; replaces proline 2802 with leucine.
Molecular consequence: missense variant.
Genome position (GRCh38, 1-based): chr6:75,102,607, G>A on the plus strand (C>T on the coding strand, the complement: COL12A1 is on the minus strand). VCF-style: chr6-75102607-G-A. GRCh37 (hg19) VCF-style: chr6-75812323-G-A.
Other names: p.Pro2802Leu; c.4913C>T, p.Pro1638Leu (NM_080645.3); short protein forms P2802L, P1638L.
Identifiers: ClinVar variation 475900 (VCV000475900.23), dbSNP rs200646131, ClinGen allele CA3892294.